The following is an entry in ClinVar:

ClinVar aggregate classification (germline): Benign/Likely benign. Review status: criteria provided, multiple submitters, no conflicts (2 of 4 stars). 6 submissions from 6 submitters: Benign (2); Likely benign (3). 1 of the submissions does not count toward it. Last evaluated 2026-07-01.

Conditions:
CDC45-related disorder. Also called: CDC45-related condition.

Allele frequency attached by ClinVar (database versions not stated): 1000 Genomes Project 30x 0.00562; 1000 Genomes Project 0.00619; TOPMed 0.00659; gnomAD 0.00744 and 0.00793; ESP Exome Variant Server 0.00777; ExAC 0.00989; gnomAD exomes 0.01029 and 0.01162.
gnomAD v4.1: 18,195 of 1,612,744 alleles (1.1%); highest among the groups gnomAD compares: Middle Eastern, 3.3%; 174 homozygotes.

Submissions (6):

CeGaT Center for Human Genetics Tuebingen
Classification: Likely benign. Last evaluated: 2026-07-01. Review status: criteria provided, single submitter. Criteria: CeGaT Center For Human Genetics Tuebingen Variant Classification Criteria Version 2. Collection method: clinical testing. Allele origin: germline. Affected: yes. Observed: 13 variant alleles.
Comment: CDC45: BP4

Labcorp Genetics (formerly Invitae), Labcorp
Classification: Benign. Last evaluated: 2026-02-01. Review status: criteria provided, single submitter. Criteria: Invitae Variant Classification Sherloc (09022015). Collection method: clinical testing. Allele origin: germline.

Genomic Medicine Center of Excellence, King Faisal Specialist Hospital and Research Centre
Classification: Likely benign. Last evaluated: 2025-08-18. Review status: criteria provided, single submitter. Criteria: ACMG Guidelines, 2015. Collection method: clinical testing. Allele origin: germline.

Blueprint Genetics
Classification: Likely benign. Last evaluated: 2024-11-27. Review status: criteria provided, single submitter. Criteria: ACMG Guidelines, 2015. Collection method: clinical testing. Allele origin: germline.

Breakthrough Genomics
Classification: Benign. Review status: criteria provided, single submitter. Criteria: ACMG Guidelines, 2015. Collection method: not provided. Allele origin: germline. Inheritance: Autosomal recessive inheritance. Affected: yes.

PreventionGenetics, part of Exact Sciences
Classification: Benign for CDC45-related condition. Last evaluated: 2019-07-10. Review status: no assertion criteria provided. Collection method: clinical testing. Allele origin: germline. Not counted in ClinVar's aggregate classification.
Comment: This variant is classified as benign based on ACMG/AMP sequence variant interpretation guidelines (Richards et al. 2015 PMID: 25741868, with internal and published modifications).

NM_003504.5(CDC45):c.241G>A (p.Val81Ile)

Gene: CDC45 (cell division cycle 45; plus strand). Cytogenetic location: 22q11.21.
Variant type: single nucleotide variant.
Coding change: c.241G>A on transcript NM_003504.5 (MANE Select); coding-DNA position 241, G replaced by A.
Protein change: p.Val81Ile; replaces valine 81 with isoleucine.
Molecular consequence: missense variant. On other transcripts: non-coding transcript variant (1), intron variant (1).
Genome position (GRCh38, 1-based): chr22:19,482,726, G>A. VCF-style: chr22-19482726-G-A. GRCh37 (hg19) VCF-style: chr22-19470249-G-A.
Other names: c.241G>A, p.Val81Ile (NM_001178010.2); c.205G>A, p.Val69Ile (NM_001369291.1); c.205-1136G>A (NM_001178011.2); short protein forms V69I, V81I.
Identifiers: ClinVar variation 775656 (VCV000775656.43), dbSNP rs13447203, ClinGen allele CA10100984.
Genomic context (GRCh38, chr22:19,482,726, plus strand): 5'-TTACAATATCTTCCTTTTTTTCAGTTTCATTATTTTATTCTCATAAACTGTGGAGCTAAT[G>A]TAGACCTATTGGATATTCTTCAACCTGATGAAGACACTATATTCTTTGTGTGTGACACCC-3'
Protein context (NP_003495.1, residues 71-91): YFILINCGAN[Val81Ile]DLLDILQPDE